The following is an entry in ClinVar:

NM_000368.5(TSC1):c.2006T>C (p.Leu669Ser)

Gene: TSC1 (TSC complex subunit 1; minus strand). Cytogenetic location: 9q34.13.
Variant type: single nucleotide variant.
Coding change: c.2006T>C on transcript NM_000368.5 (MANE Select); coding-DNA position 2006, T replaced by C.
Protein change: p.Leu669Ser; replaces leucine 669 with serine.
Molecular consequence: missense variant.
Genome position (GRCh38, 1-based): chr9:132,904,446, A>G on the plus strand (T>C on the coding strand, the complement: TSC1 is on the minus strand). VCF-style: chr9-132904446-A-G. GRCh37 (hg19) VCF-style: chr9-135779833-A-G.
Other names: c.2003T>C, p.Leu668Ser (NM_001162426.2); c.1853T>C, p.Leu618Ser (NM_001162427.2); c.1643T>C, p.Leu548Ser (NM_001362177.2); short protein forms L669S, L548S, L668S, L618S.
Identifiers: ClinVar variation 534440 (VCV000534440.9), dbSNP rs118203617, ClinGen allele CA375361471.

ClinVar aggregate classification (germline): Uncertain significance. Review status: criteria provided, multiple submitters, no conflicts (2 of 4 stars). 2 submissions from 2 submitters: Uncertain significance (2). Last evaluated 2024-06-03.

Conditions:
Tuberous sclerosis 1 (TSC1). Identifiers: Orphanet 805, MedGen C1854465, MONDO:0008612, OMIM 191100.
Hereditary cancer-predisposing syndrome. Also called: Neoplastic Syndromes, Hereditary; Hereditary neoplastic syndrome; Tumor predisposition; Hereditary Cancer Syndrome. Identifiers: Orphanet 140162, MedGen C0027672, MeSH D009386, MONDO:0015356.

Allele frequency attached by ClinVar (database versions not stated): gnomAD exomes 0.00001.
gnomAD v4.1: 8 of 1,614,030 alleles (0.0005%); highest among the groups gnomAD compares: Non-Finnish European, 0.00068%; no homozygotes.

Submissions (2):

Labcorp Genetics (formerly Invitae), Labcorp
Classification: Uncertain significance for Tuberous sclerosis 1. Last evaluated: 2024-06-03. Review status: criteria provided, single submitter. Criteria: Invitae Variant Classification Sherloc (09022015). Collection method: clinical testing. Allele origin: germline.
Comment: This sequence change replaces leucine, which is neutral and non-polar, with serine, which is neutral and polar, at codon 669 of the TSC1 protein (p.Leu669Ser). This variant is not present in population databases (gnomAD no frequency). This variant has not been reported in the literature in individuals affected with TSC1-related conditions. ClinVar contains an entry for this variant (Variation ID: 534440). Advanced modeling of protein sequence and biophysical properties (such as structural, functional, and spatial information, amino acid conservation, physicochemical variation, residue mobility, and thermodynamic stability) performed at Invitae indicates that this missense variant is not expected to disrupt TSC1 protein function with a negative predictive value of 95%. In summary, the available evidence is currently insufficient to determine the role of this variant in disease. Therefore, it has been classified as a Variant of Uncertain Significance.

Ambry Genetics
Classification: Uncertain significance for Hereditary cancer-predisposing syndrome. Last evaluated: 2023-12-14. Review status: criteria provided, single submitter. Criteria: Ambry Variant Classification Scheme 2023. Collection method: clinical testing. Allele origin: germline.
Comment: The p.L669S variant (also known as c.2006T>C), located in coding exon 14 of the TSC1 gene, results from a T to C substitution at nucleotide position 2006. The leucine at codon 669 is replaced by serine, an amino acid with dissimilar properties. This amino acid position is highly conserved in available vertebrate species. In addition, this alteration is predicted to be deleterious by in silico analysis. Since supporting evidence is limited at this time, the clinical significance of this alteration remains unclear.